The following is an entry in ClinVar:

NM_015450.3(POT1):c.360_363del (p.Lys121fs)

Gene: POT1 (protection of telomeres 1; minus strand). Cytogenetic location: 7q31.33.
Variant type: Microsatellite.
Coding change: c.360_363del on transcript NM_015450.3 (MANE Select); coding-DNA positions 360 to 363, 4 bases deleted (CAAG; older notation c.360_363delCAAG).
Protein change: p.Lys121fs; shifts the reading frame from lysine 121.
Molecular consequence: frameshift variant. On other transcripts: 5 prime UTR variant (1), non-coding transcript variant (3).
Genome position (GRCh38, 1-based): chr7:124,863,533-124,863,536, CTTG deleted on the plus strand (CAAG on the coding strand, the reverse complement: POT1 is on the minus strand); deleting any 4 consecutive bases within chr7:124,863,533-124,863,540 gives the same sequence; the c. name uses the placement nearest the transcript's 3' end. VCF-style (leftmost placement, unchanged base first): chr7-124863532-ACTTG-A. GRCh37 (hg19) VCF-style: chr7-124503586-ACTTG-A.
Other names: c.-38CAAG[1] (NM_001042594.2); short protein forms K121fs.
Identifiers: ClinVar variation 3781980 (VCV003781980.1).

ClinVar aggregate classification (germline): Likely pathogenic (1 of 4 stars; one submission).

Conditions:
Hereditary cancer-predisposing syndrome. Also called: Neoplastic Syndromes, Hereditary; Hereditary Cancer Syndrome; Tumor predisposition; Hereditary neoplastic syndrome. Identifiers: Orphanet 140162, MedGen C0027672, MeSH D009386, MONDO:0015356.

Submission:

Ambry Genetics
Classification: Likely pathogenic for Hereditary cancer-predisposing syndrome. Last evaluated: 2024-12-18. Review status: criteria provided, single submitter. Criteria: Ambry Variant Classification Scheme 2023. Collection method: clinical testing. Allele origin: germline.
Comment: The c.360_363delCAAG variant, located in coding exon 4 of the POT1 gene, results from a deletion of 4 nucleotides at nucleotide positions 360 to 363, causing a translational frameshift with a predicted alternate stop codon (p.K121Ifs*12). The predicted stop codon occurs in the 5&rsquo; end of thePOT1 gene. Premature termination codons in the 5&rsquo; end of a gene have been reported to escape nonsense-mediated mRNAdecay and/or lead to re-initiation (Rivas et al. Science. 2015 May 8;348(6235):666-9; Lindeboom et al. Nat Genet. 2016 Oct;48(10):1112-8; Rhee et al. Sci Rep. 2017 May 10;7(1):1653). Direct evidence for this alteration is unavailable, however premature termination codons are typically deleterious in nature. This variant is considered to be rare based on population cohorts in the Genome Aggregation Database (gnomAD). Based on the majority of available evidence to date, this variant is likely to be pathogenic.